The following is an entry in ClinVar:

NM_006846.4(SPINK5):c.2467A>T (p.Lys823Ter)

Gene: SPINK5 (serine peptidase inhibitor Kazal type 5; plus strand). Cytogenetic location: 5q32.
Variant type: single nucleotide variant.
Coding change: c.2467A>T on transcript NM_006846.4 (MANE Select); coding-DNA position 2467, A replaced by T.
Protein change: p.Lys823Ter; replaces lysine 823 with a stop codon.
Molecular consequence: nonsense.
Genome position (GRCh38, 1-based): chr5:148,120,320, A>T. VCF-style: chr5-148120320-A-T. GRCh37 (hg19) VCF-style: chr5-147499883-A-T.
Other names: c.2467A>T, p.Lys823Ter (NM_001127698.2, NM_001127699.2); short protein forms K823*.
Identifiers: ClinVar variation 280272 (VCV000280272.2), dbSNP rs886041508, ClinGen allele CA10602948.

ClinVar aggregate classification (germline): Pathogenic (1 of 4 stars; one submission).

gnomAD v4.1: 1 of 1,605,684 alleles (0.000062%); highest among the groups gnomAD compares: Non-Finnish European, 0.000085%; no homozygotes.

Submission:

GeneDx
Classification: Pathogenic. Last evaluated: 2016-01-08. Review status: criteria provided, single submitter. Criteria: GeneDx Variant Classification (06012015). Collection method: clinical testing. Allele origin: germline. Affected: yes.
Comment: To our knowledge, the K823X pathogenic variant in the SPINK5 gene has not been reported previously as a pathogenic variant nor as a benign variant. This variant is predicted to cause loss of normal protein function either through protein truncation or nonsense-mediated mRNA decay. The K823X variant was not observed in approximately 5,900 individuals of European and African American ancestry in the NHLBI Exome Sequencing Project, indicating it is not a common benign variant in these populations. We interpret K823X as a pathogenic variant.